The following is an entry in ClinVar:

NM_001029998.6(SLC10A7):c.83C>G (p.Ser28Cys)

Gene: SLC10A7 (solute carrier family 10 member 7; minus strand). Cytogenetic location: 4q31.22.
Variant type: single nucleotide variant.
Coding change: c.83C>G on transcript NM_001029998.6 (MANE Select); coding-DNA position 83, C replaced by G.
Protein change: p.Ser28Cys; replaces serine 28 with cysteine.
Molecular consequence: missense variant. On other transcripts: non-coding transcript variant (1).
Genome position (GRCh38, 1-based): chr4:146,521,635, G>C on the plus strand (C>G on the coding strand, the complement: SLC10A7 is on the minus strand). VCF-style: chr4-146521635-G-C. GRCh37 (hg19) VCF-style: chr4-147442787-G-C.
Other names: c.83C>G, p.Ser28Cys (NM_001300842.3, NM_001317816.2, NM_001317817.2 and 2 more transcripts); short protein forms S28C.
Identifiers: ClinVar variation 2719027 (VCV002719027.3), dbSNP rs776442200, ClinGen allele CA358415543.

ClinVar aggregate classification (germline): Uncertain significance (1 of 4 stars; one submission).

Submission:

Labcorp Genetics (formerly Invitae), Labcorp
Classification: Uncertain significance. Last evaluated: 2024-10-17. Review status: criteria provided, single submitter. Criteria: Invitae Variant Classification Sherloc (09022015). Collection method: clinical testing. Allele origin: germline.
Comment: This sequence change replaces serine, which is neutral and polar, with cysteine, which is neutral and slightly polar, at codon 28 of the SLC10A7 protein (p.Ser28Cys). This variant is not present in population databases (gnomAD no frequency). This variant has not been reported in the literature in individuals affected with SLC10A7-related conditions. An algorithm developed to predict the effect of missense changes on protein structure and function (PolyPhen-2) suggests that this variant is likely to be disruptive. In summary, the available evidence is currently insufficient to determine the role of this variant in disease. Therefore, it has been classified as a Variant of Uncertain Significance.